The following is an entry in ClinVar:

ClinVar aggregate classification (germline): Benign (1 of 4 stars; one submission).

Allele frequency attached by ClinVar (database versions not stated): gnomAD exomes 0.46539; 1000 Genomes Project 0.47344; 1000 Genomes Project 30x 0.47455; gnomAD 0.49617; TOPMed 0.49657.
gnomAD v4.1: 503,675 of 1,072,558 alleles (47%); highest among the groups gnomAD compares: African/African-American, 60%; 120,176 homozygotes.

Submission:

Unidad de Genómica Garrahan, Hospital de Pediatría Garrahan
Classification: Benign. Last evaluated: 2023-11-12. Review status: criteria provided, single submitter. Criteria: ACMG Guidelines, 2015. Collection method: clinical testing. Allele origin: germline. Affected: no. Observed: 28 variant alleles.
Comment: This variant is classified as Benign based on local population frequency. This variant was detected in 29% of patients studied by a panel of primary immunodeficiencies. Number of patients: 28. Only high quality variants are reported.

NM_001330588.2(TPP2):c.2020+84G>A

Gene: TPP2 (tripeptidyl peptidase 2; plus strand). Cytogenetic location: 13q33.1.
Variant type: single nucleotide variant.
Coding change: c.2020+84G>A on transcript NM_001330588.2 (MANE Select); 84 bases into the intron after coding-DNA position 2020, G replaced by A.
Molecular consequence: intron variant.
Genome position (GRCh38, 1-based): chr13:102,640,460, G>A. VCF-style: chr13-102640460-G-A. GRCh37 (hg19) VCF-style: chr13-103292810-G-A.
Other names: c.2020+84G>A (NM_001367947.1, NM_003291.4).
Identifiers: ClinVar variation 2628242 (VCV002628242.2), dbSNP rs634293, ClinGen allele CA13837302.